The following is an entry in ClinVar:

NM_005219.5(DIAPH1):c.407T>C (p.Met136Thr)

Gene: DIAPH1 (diaphanous related formin 1; minus strand). Cytogenetic location: 5q31.3.
Variant type: single nucleotide variant.
Coding change: c.407T>C on transcript NM_005219.5 (MANE Select); coding-DNA position 407, T replaced by C.
Protein change: p.Met136Thr; replaces methionine 136 with threonine.
Molecular consequence: missense variant.
Genome position (GRCh38, 1-based): chr5:141,583,611, A>G on the plus strand (T>C on the coding strand, the complement: DIAPH1 is on the minus strand). VCF-style: chr5-141583611-A-G. GRCh37 (hg19) VCF-style: chr5-140963178-A-G.
Other names: c.380T>C, p.Met127Thr (NM_001079812.3); c.407T>C, p.Met136Thr (NM_001314007.2); short protein forms M136T, M127T.
Identifiers: ClinVar variation 2946126 (VCV002946126.3), dbSNP rs2513772410, ClinGen allele CA361542411.

ClinVar aggregate classification (germline): Uncertain significance (1 of 4 stars; one submission).

Conditions:
Autosomal dominant nonsyndromic hearing loss 1. Also called: KONIGSMARK SYNDROME; DEAFNESS, AUTOSOMAL DOMINANT 1, WITH OR WITHOUT THROMBOCYTOPENIA. Identifiers: Orphanet 90635, MedGen C1852282, MONDO:0007424, OMIM 124900.
Progressive microcephaly-seizures-cortical blindness-developmental delay syndrome. Also called: Seizures, cortical blindness, and microcephaly syndrome. Identifiers: Orphanet 477814, MedGen C5567650, MONDO:0014714, OMIM 616632.

Allele frequency attached by ClinVar (database versions not stated): gnomAD exomes below 0.00001.

Submission:

Labcorp Genetics (formerly Invitae), Labcorp
Classification: Uncertain significance for Progressive microcephaly-seizures-cortical blindness-developmental delay syndrome; Autosomal dominant nonsyndromic hearing loss 1. Last evaluated: 2025-06-12. Review status: criteria provided, single submitter. Criteria: Invitae Variant Classification Sherloc (09022015). Collection method: clinical testing. Allele origin: germline.
Comment: This sequence change replaces methionine, which is neutral and non-polar, with threonine, which is neutral and polar, at codon 136 of the DIAPH1 protein (p.Met136Thr). This variant is not present in population databases (gnomAD no frequency). This variant has not been reported in the literature in individuals affected with DIAPH1-related conditions. ClinVar contains an entry for this variant (Variation ID: 2946126). Experimental studies and prediction algorithms are not available or were not evaluated, and the functional significance of this variant is currently unknown. In summary, the available evidence is currently insufficient to determine the role of this variant in disease. Therefore, it has been classified as a Variant of Uncertain Significance.